The following is an entry in ClinVar:

NM_001369.3(DNAH5):c.5710-1del

Gene: DNAH5 (dynein axonemal heavy chain 5; minus strand). Cytogenetic location: 5p15.2.
Variant type: Deletion.
Coding change: c.5710-1del on transcript NM_001369.3 (MANE Select); the canonical splice acceptor site of the intron before coding-DNA position 5710, one base deleted (G; older notation c.5710-1delG).
Molecular consequence: splice acceptor variant.
Genome position (GRCh38, 1-based): chr5:13,839,529, C deleted on the plus strand (G on the coding strand, the reverse complement: DNAH5 is on the minus strand). VCF-style (leftmost placement, unchanged base first): chr5-13839528-AC-A. GRCh37 (hg19) VCF-style: chr5-13839637-AC-A.
Identifiers: ClinVar variation 4242590 (VCV004242590.1).

ClinVar aggregate classification (germline): Likely pathogenic (1 of 4 stars; one submission).

Conditions:
Primary ciliary dyskinesia. Also called: Ciliary dyskinesia. Identifiers: Orphanet 244, MedGen C0008780, MONDO:0016575, HP:0012265.

Submission:

Ambry Genetics
Classification: Likely pathogenic for Primary ciliary dyskinesia. Last evaluated: 2025-06-17. Review status: criteria provided, single submitter. Criteria: Ambry Variant Classification Scheme 2023. Collection method: clinical testing. Allele origin: germline.
Comment: The c.5710-1delG intronic variant results from a deletion of G one nucleotide before coding exon 35 of the DNAH5 gene. Alterations that disrupt the canonical splice site are expected to result in aberrant splicing. A resulting transcript is predicted to be in-frame and is not expected to trigger nonsense-mediated mRNA decay, although direct evidence is unavailable. However, the region predicted to be impacted is critical for protein function (Ambry internal data). This variant was not reported in population-based cohorts in the Genome Aggregation Database (gnomAD). This nucleotide position is highly conserved in available vertebrate species. In silico splice site analysis predicts that this alteration will weaken the native splice acceptor site and will result in the creation or strengthening of a novel splice acceptor site. Based on the available evidence, this alteration is classified as likely pathogenic.